The following is an entry in ClinVar:

NM_012479.4(YWHAG):c.631del (p.Leu211fs)

Gene: YWHAG (tyrosine 3-monooxygenase/tryptophan 5-monooxygenase activation protein gamma; minus strand). Cytogenetic location: 7q11.23.
Variant type: Deletion.
Coding change: c.631del on transcript NM_012479.4 (MANE Select); coding-DNA position 631, one base deleted (C; older notation c.631delC).
Protein change: p.Leu211fs; shifts the reading frame from leucine 211.
Molecular consequence: frameshift variant.
Genome position (GRCh38, 1-based): chr7:76,329,690, G deleted on the plus strand (C on the coding strand, the reverse complement: YWHAG is on the minus strand); the first of 3 consecutive G bases (chr7:76,329,690-76,329,692); deleting any one gives the same sequence. VCF-style (leftmost placement, unchanged base first): chr7-76329689-AG-A. GRCh37 (hg19) VCF-style: chr7-75959006-AG-A.
Other names: short protein forms L211fs.
Identifiers: ClinVar variation 2845799 (VCV002845799.3), dbSNP rs2536180587, ClinGen allele CA2739266492.

ClinVar aggregate classification (germline): Pathogenic (1 of 4 stars; one submission).

Submission:

Labcorp Genetics (formerly Invitae), Labcorp
Classification: Pathogenic. Last evaluated: 2025-01-15. Review status: criteria provided, single submitter. Criteria: Invitae Variant Classification Sherloc (09022015). Collection method: clinical testing. Allele origin: germline.
Comment: This sequence change results in a frameshift in the YWHAG gene (p.Leu211Serfs*59). While this is not anticipated to result in nonsense mediated decay, it is expected to disrupt the last 37 amino acid(s) of the YWHAG protein and extend the protein by 21 additional amino acid residues. This variant is not present in population databases (gnomAD no frequency). This variant has not been reported in the literature in individuals affected with YWHAG-related conditions. ClinVar contains an entry for this variant (Variation ID: 2845799). Experimental studies and prediction algorithms are not available or were not evaluated, and the functional significance of this variant is currently unknown. This variant disrupts a region of the YWHAG protein in which other variant(s) (p.Tyr216*) have been determined to be pathogenic (internal data). This suggests that this is a clinically significant region of the protein, and that variants that disrupt it are likely to be disease-causing. For these reasons, this variant has been classified as Pathogenic.